The following is an entry in ClinVar:

ClinVar aggregate classification (germline): Uncertain significance (1 of 4 stars; one submission).

Allele frequency attached by ClinVar (database versions not stated): gnomAD exomes below 0.00001; TOPMed below 0.00001; gnomAD 0.00001.
gnomAD v4.1: 2 of 1,597,820 alleles (0.00013%); highest among the groups gnomAD compares: Non-Finnish European, 0.00017%; no homozygotes.

Submission:

Labcorp Genetics (formerly Invitae), Labcorp
Classification: Uncertain significance. Last evaluated: 2022-05-05. Review status: criteria provided, single submitter. Criteria: Invitae Variant Classification Sherloc (09022015). Collection method: clinical testing. Allele origin: germline.
Comment: In summary, the available evidence is currently insufficient to determine the role of this variant in disease. Therefore, it has been classified as a Variant of Uncertain Significance. Algorithms developed to predict the effect of missense changes on protein structure and function are either unavailable or do not agree on the potential impact of this missense change (SIFT: "Tolerated"; PolyPhen-2: "Possibly Damaging"; Align-GVGD: "Class C0"). This variant has not been reported in the literature in individuals affected with SZT2-related conditions. This variant is not present in population databases (gnomAD no frequency). This sequence change replaces threonine, which is neutral and polar, with alanine, which is neutral and non-polar, at codon 767 of the SZT2 protein (p.Thr767Ala).

NM_001365999.1(SZT2):c.2299A>G (p.Thr767Ala)

Gene: SZT2 (SZT2 subunit of KICSTOR complex; plus strand). Cytogenetic location: 1p34.2.
Variant type: single nucleotide variant.
Coding change: c.2299A>G on transcript NM_001365999.1 (MANE Select); coding-DNA position 2299, A replaced by G.
Protein change: p.Thr767Ala; replaces threonine 767 with alanine.
Molecular consequence: missense variant.
Genome position (GRCh38, 1-based): chr1:43,424,260, A>G. VCF-style: chr1-43424260-A-G. GRCh37 (hg19) VCF-style: chr1-43889931-A-G.
Other names: c.2299A>G, p.Thr767Ala (NM_015284.4); short protein forms T767A.
Identifiers: ClinVar variation 2134274 (VCV002134274.4), dbSNP rs1336772064, ClinGen allele CA340012270.